The following is an entry in ClinVar:

NM_182931.3(KMT2E):c.280A>T (p.Thr94Ser)

Gene: KMT2E (lysine methyltransferase 2E (inactive); plus strand). Cytogenetic location: 7q22.3.
Variant type: single nucleotide variant.
Coding change: c.280A>T on transcript NM_182931.3 (MANE Select); coding-DNA position 280, A replaced by T.
Protein change: p.Thr94Ser; replaces threonine 94 with serine.
Molecular consequence: missense variant.
Genome position (GRCh38, 1-based): chr7:105,063,444, A>T. VCF-style: chr7-105063444-A-T. GRCh37 (hg19) VCF-style: chr7-104703891-A-T.
Other names: c.280A>T, p.Thr94Ser (NM_001410908.1, NM_018682.4); short protein forms T94S.
Identifiers: ClinVar variation 2880333 (VCV002880333.3), dbSNP rs2536385358, ClinGen allele CA368774539.
Genomic context (GRCh38, chr7:105,063,444, plus strand): 5'-CCTCCGGCTTCCCCTCCTCCATCAGTCCTTATTAGCAAAAATGAAGTAGGCATATTTACC[A>T]CTCCTAATTTTGATGAAACTTCCAGTGCTACTACAATCAGCACATCTGAGGATGGAAGTT-3'
Protein context (NP_891847.1, residues 84-104): ISKNEVGIFT[Thr94Ser]PNFDETSSAT

ClinVar aggregate classification (germline): Uncertain significance (1 of 4 stars; one submission).

Submission:

Labcorp Genetics (formerly Invitae), Labcorp
Classification: Uncertain significance. Last evaluated: 2022-12-11. Review status: criteria provided, single submitter. Criteria: Invitae Variant Classification Sherloc (09022015). Collection method: clinical testing. Allele origin: germline.
Comment: This sequence change replaces threonine, which is neutral and polar, with serine, which is neutral and polar, at codon 94 of the KMT2E protein (p.Thr94Ser). In summary, the available evidence is currently insufficient to determine the role of this variant in disease. Therefore, it has been classified as a Variant of Uncertain Significance. Advanced modeling of protein sequence and biophysical properties (such as structural, functional, and spatial information, amino acid conservation, physicochemical variation, residue mobility, and thermodynamic stability) performed at Invitae indicates that this missense variant is not expected to disrupt KMT2E protein function. This variant has not been reported in the literature in individuals affected with KMT2E-related conditions. This variant is not present in population databases (gnomAD no frequency).